The following is an entry in ClinVar:

NM_018082.6(POLR3B):c.1113T>C (p.Leu371=)

Gene: POLR3B (RNA polymerase III subunit B; plus strand). Cytogenetic location: 12q23.3.
Variant type: single nucleotide variant.
Coding change: c.1113T>C on transcript NM_018082.6 (MANE Select); coding-DNA position 1113, T replaced by C.
Protein change: p.Leu371=; no amino-acid change (leucine 371 retained).
Molecular consequence: synonymous variant.
Genome position (GRCh38, 1-based): chr12:106,427,208, T>C. VCF-style: chr12-106427208-T-C. GRCh37 (hg19) VCF-style: chr12-106820986-T-C.
Other names: c.939T>C, p.Leu313= (NM_001160708.2).
Identifiers: ClinVar variation 306933 (VCV000306933.17), dbSNP rs141885523, ClinGen allele CA6761883.
Genomic context (GRCh38, chr12:106,427,208, plus strand): 5'-TAGCAATGCTTTTTGAAAAATCACCATATACCTTTTTTTTTTTTTTTAGCTTTTATCTCT[T>C]CTTTTTGAAGACTTGTTCAAAAAATTTAATTCTGAAATGAAAAAGATTGCCGACCAGGTG-3'
Protein context (NP_060552.4, residues 361-381): RLELAGQLLS[Leu371=]LFEDLFKKFN

ClinVar aggregate classification (germline): Benign/Likely benign. Review status: criteria provided, multiple submitters, no conflicts (2 of 4 stars). 5 submissions from 5 submitters: Benign (1); Likely benign (4). Last evaluated 2026-09-01.

Conditions:
Leukodystrophy, hypomyelinating, 8, with or without oligodontia and/or hypogonadotropic hypogonadism. Also called: LEUKODYSTROPHY, HYPOMYELINATING, 8, WITH HYPODONTIA AND HYPOGONADOTROPIC HYPOGONADISM; Hypomyelinating leukodystrophy 8 with or without oligodontia and-or hypogonadotropic hypogonadism; Endosteal sclerosis-cerebellar hypoplasia syndrome. Identifiers: Orphanet 85186, Orphanet 88637, MedGen C3280644, MONDO:0013722, OMIM 614381.

Allele frequency attached by ClinVar (database versions not stated): gnomAD 0.00025 and 0.00019; 1000 Genomes Project 30x 0.00265; gnomAD exomes 0.00019 and 0.00088; TOPMed 0.00056; ExAC 0.00069; 1000 Genomes Project 0.00240.
gnomAD v4.1: 309 of 1,574,632 alleles (0.02%); highest among the groups gnomAD compares: Admixed American, 0.49%; 2 homozygotes.

Submissions (5):

CeGaT Center for Human Genetics Tuebingen
Classification: Likely benign. Last evaluated: 2026-09-01. Review status: criteria provided, single submitter. Criteria: CeGaT Center For Human Genetics Tuebingen Variant Classification Criteria Version 2. Collection method: clinical testing. Allele origin: germline. Affected: yes. Observed: 2 variant alleles.
Comment: POLR3B: BP4

Labcorp Genetics (formerly Invitae), Labcorp
Classification: Benign. Last evaluated: 2026-01-18. Review status: criteria provided, single submitter. Criteria: Invitae Variant Classification Sherloc (09022015). Collection method: clinical testing. Allele origin: germline.

Blueprint Genetics
Classification: Likely benign. Last evaluated: 2023-12-05. Review status: criteria provided, single submitter. Criteria: ACMG Guidelines, 2015. Collection method: clinical testing. Allele origin: germline.

Illumina Laboratory Services, Illumina
Classification: Likely benign for Leukodystrophy, hypomyelinating, 8, with or without oligodontia and/or hypogonadotropic hypogonadism. Last evaluated: 2018-01-13. Review status: criteria provided, single submitter. Criteria: ICSL Variant Classification Criteria 13 December 2019. Collection method: clinical testing. Allele origin: germline.
Comment: This variant was observed in the ICSL laboratory as part of a predisposition screen in an ostensibly healthy population. It had not been previously curated by ICSL or reported in the Human Gene Mutation Database (HGMD: prior to June 1st, 2018), and was therefore a candidate for classification through an automated scoring system. Utilizing variant allele frequency, disease prevalence and penetrance estimates, and inheritance mode, an automated score was calculated to assess if this variant is too frequent to cause the disease. Based on the score and internal cut-off values, a variant classified as likely benign is not then subjected to further curation. The score for this variant resulted in a classification of likely benign for this disease.

Breakthrough Genomics
Classification: Likely benign. Review status: criteria provided, single submitter. Criteria: ACMG Guidelines, 2015. Collection method: not provided. Allele origin: germline. Inheritance: Autosomal recessive inheritance. Affected: yes.